The following is an entry in ClinVar:

ClinVar aggregate classification (germline): Pathogenic (1 of 4 stars; one submission).

Conditions:
Hermansky-Pudlak syndrome 3 (HPS3). Identifiers: Orphanet 231512, Orphanet 79430, MedGen C3888001, MONDO:0013555, OMIM 614072.

Submission:

Myriad Genetics, Inc.
Classification: Pathogenic for Hermansky-Pudlak syndrome 3. Last evaluated: 2024-05-14. Review status: criteria provided, single submitter. Criteria: Myriad Autosomal Dominant, Autosomal Recessive and X-Linked Classification Criteria (2023). Collection method: clinical testing. Allele origin: unknown.
Comment: NM_032383.3(HPS3):c.2168_2169ins5(Q723Hfs*3) is expected to be pathogenic in the context of Hermansky-Pudlak syndrome, HPS3-related. This variant is predicted to lead to an abnormal or absent protein product due to the creation of a premature termination codon in HPS3, a gene where loss-of-function variants are known to be pathogenic. Please note: this variant was assessed in the context of healthy population screening.

NM_032383.5(HPS3):c.2168_2169insCCACT (p.Gln723fs)

Gene: HPS3 (HPS3 biogenesis of lysosomal organelles complex 2 subunit 1; plus strand). Cytogenetic location: 3q24.
Variant type: Insertion.
Coding change: c.2168_2169insCCACT on transcript NM_032383.5 (MANE Select); coding-DNA positions 2168 to 2169, CCACT inserted.
Protein change: p.Gln723fs; shifts the reading frame from glutamine 723.
Molecular consequence: frameshift variant.
Genome position: GRCh38 VCF-style: chr3-149162209-A-ACCACT. GRCh37 (hg19) VCF-style: chr3-148879996-A-ACCACT.
Other names: c.1673_1674insCCACT, p.Gln558fs (NM_001308258.2); short protein forms Q558fs, Q723fs.
Identifiers: ClinVar variation 5016156 (VCV005016156.1).